The following is an entry in ClinVar:

ClinVar aggregate classification (germline): Uncertain significance. Review status: criteria provided, multiple submitters, no conflicts (2 of 4 stars). 2 submissions from 2 submitters: Uncertain significance (2). Last evaluated 2025-10-27.

Conditions:
Paramyotonia congenita of Von Eulenburg. Also called: PARALYSIS PERIODICA PARAMYOTONICA; Paramyotonia Congenita; Eulenburg disease; Myotonia congenita intermittens; Von Eulenburg paramyotonia congenita. Identifiers: Orphanet 684, MedGen C0221055, MONDO:0008195, OMIM 168300. Disease mechanism: loss of function.
Congenital myopathy 22A, classic (CMYO22A). Identifiers: MedGen C5830453, MONDO:0957247, OMIM 620351.
Congenital myopathy 22B, severe fetal (CMYO22B). Identifiers: MedGen C5830501, MONDO:0957265, OMIM 620369.
Hypokalemic periodic paralysis, type 2 (HOKPP2). Identifiers: Orphanet 681, MedGen C2750061, MONDO:0013234, OMIM 613345.
Potassium-aggravated myotonia. Also called: MYOTONIA CONGENITA, ACETAZOLAMIDE-RESPONSIVE; MYOTONIA CONGENITA, ATYPICAL; SODIUM CHANNEL MUSCLE DISEASE; Myotonia congenita, atypical, acetazolamide-responsive. Identifiers: Orphanet 612, Orphanet 99734, Orphanet 99735, Orphanet 99736, MedGen C2931826, MONDO:0018959, OMIM 608390.
Congenital myasthenic syndrome 16. Identifiers: Orphanet 590, MedGen C3280112, MONDO:0013620, OMIM 614198.
Hyperkalemic periodic paralysis. Also called: Familial hyperkalemic periodic paralysis; Gamstorp disease. Identifiers: Orphanet 682, MedGen C0238357, MONDO:0008224, OMIM 170500, HP:0007215.

Allele frequency attached by ClinVar (database versions not stated): ExAC 0.00001; gnomAD exomes 0.00001.
gnomAD v4.1: 7 of 1,613,370 alleles (0.00043%); highest among the groups gnomAD compares: Admixed American, 0.012%; no homozygotes.

Submissions (2):

Labcorp Genetics (formerly Invitae), Labcorp
Classification: Uncertain significance for Hyperkalemic periodic paralysis. Last evaluated: 2025-10-27. Review status: criteria provided, single submitter. Criteria: Invitae Variant Classification Sherloc (09022015). Collection method: clinical testing. Allele origin: germline.
Comment: This sequence change replaces alanine, which is neutral and non-polar, with serine, which is neutral and polar, at codon 1465 of the SCN4A protein (p.Ala1465Ser). This variant is present in population databases (rs770398125, gnomAD 0.01%). This variant has not been reported in the literature in individuals affected with SCN4A-related conditions. ClinVar contains an entry for this variant (Variation ID: 1485399). Invitae Evidence Modeling of protein sequence and biophysical properties (such as structural, functional, and spatial information, amino acid conservation, physicochemical variation, residue mobility, and thermodynamic stability) indicates that this missense variant is expected to disrupt SCN4A protein function with a positive predictive value of 95%. In summary, the available evidence is currently insufficient to determine the role of this variant in disease. Therefore, it has been classified as a Variant of Uncertain Significance.

Fulgent Genetics
Classification: Uncertain significance for Paramyotonia congenita of Von Eulenburg; Hyperkalemic periodic paralysis; Potassium-aggravated myotonia; Hypokalemic periodic paralysis, type 2; Congenital myasthenic syndrome 16; Congenital myopathy 22A, classic; Congenital myopathy 22B, severe fetal. Last evaluated: 2024-05-14. Review status: criteria provided, single submitter. Criteria: ACMG Guidelines, 2015. Collection method: clinical testing. Allele origin: germline.

NM_000334.4(SCN4A):c.4393G>T (p.Ala1465Ser)

Genes: GH-LCR (growth hormone locus control region; plus strand), SCN4A (sodium voltage-gated channel alpha subunit 4; minus strand). Cytogenetic location: 17q23.3.
Variant type: single nucleotide variant.
Coding change: c.4393G>T on transcript NM_000334.4 (MANE Select); coding-DNA position 4393, G replaced by T.
Protein change: p.Ala1465Ser; replaces alanine 1465 with serine.
Molecular consequence: missense variant.
Genome position (GRCh38, 1-based): chr17:63,941,889, C>A on the plus strand (G>T on the coding strand, the complement: SCN4A is on the minus strand). VCF-style: chr17-63941889-C-A. GRCh37 (hg19) VCF-style: chr17-62019249-C-A.
Other names: short protein forms A1465S.
Identifiers: ClinVar variation 1485399 (VCV001485399.10), dbSNP rs770398125, ClinGen allele CA8708972.